The following is an entry in ClinVar:

NC_000003.12:g.108218654del

Gene: IFT57 (intraflagellar transport 57; minus strand). Cytogenetic location: 3q13.13.
Variant type: Deletion.
Genome position: GRCh38 VCF-style: chr3-108218651-TC-T. GRCh37 (hg19) VCF-style: chr3-107937498-TC-T.
Identifiers: ClinVar variation 2818135 (VCV002818135.3), dbSNP rs773703593, ClinGen allele CA2526725.
Genomic context (GRCh38, chr3:108,218,651, plus strand): 5'-ATAGCATACATGTTCTCCATAACCTGACTTTAATTTTGAAGGAGGAAAATCTGCAGTTCT[TC>T]CCTGAAAAACAAAAGAAAAAACAGGGTATTATTTGTTAGTTATACTCCAAATGTCAAATA-3'

ClinVar aggregate classification (germline): Uncertain significance (1 of 4 stars; one submission).

Submission:

Labcorp Genetics (formerly Invitae), Labcorp
Classification: Uncertain significance. Last evaluated: 2022-12-03. Review status: criteria provided, single submitter. Criteria: Invitae Variant Classification Sherloc (09022015). Collection method: clinical testing. Allele origin: germline.
Comment: This sequence change creates a premature translational stop signal (p.Gly126Glufs*11) in the IFT57 gene. It is expected to result in an absent or disrupted protein product. However, the current clinical and genetic evidence is not sufficient to establish whether loss-of-function variants in IFT57 cause disease. In summary, the available evidence is currently insufficient to determine the role of this variant in disease. Therefore, it has been classified as a Variant of Uncertain Significance. This variant has not been reported in the literature in individuals affected with IFT57-related conditions. This variant is present in population databases (rs773703593, gnomAD 0.03%).